The following is an entry in ClinVar:

NM_015158.5(KANK1):c.1199C>A (p.Ser400Tyr)

Gene: KANK1 (KN motif and ankyrin repeat domains 1; plus strand). Cytogenetic location: 9p24.3.
Variant type: single nucleotide variant.
Coding change: c.1199C>A on transcript NM_015158.5 (MANE Select); coding-DNA position 1199, C replaced by A.
Protein change: p.Ser400Tyr; replaces serine 400 with tyrosine.
Molecular consequence: missense variant. On other transcripts: non-coding transcript variant (1).
Genome position (GRCh38, 1-based): chr9:711,965, C>A. VCF-style: chr9-711965-C-A. GRCh37 (hg19) VCF-style: chr9-711965-C-A.
Other names: c.725C>A, p.Ser242Tyr (NM_153186.6, NM_001354333.2, NM_001354335.2 and 9 more transcripts); c.1199C>A, p.Ser400Tyr (NM_001256876.3, NM_001256877.3, NM_001354331.2 and 2 more transcripts); short protein forms S242Y, S400Y.
Identifiers: ClinVar variation 3694203 (VCV003694203.2).
Genomic context (GRCh38, chr9:711,965, plus strand): 5'-AGATCCAGGACAGCAGCTGTGAGGCCTCCTCAGAGCTCAGGGAGAATGGAGAGTGCCGGT[C>A]TGTGGCTGTGGGTGCCGAGGAGAACATGAACGACATCGTCGTGTACCACAGAGGCTCCAG-3'
Protein context (NP_055973.2, residues 390-410): SELRENGECR[Ser400Tyr]VAVGAEENMN

ClinVar aggregate classification (germline): Uncertain significance (1 of 4 stars; one submission).

gnomAD v4.1: 2 of 1,614,052 alleles (0.00012%); highest among the groups gnomAD compares: Non-Finnish European, 0.00017%; no homozygotes.

Submission:

Labcorp Genetics (formerly Invitae), Labcorp
Classification: Uncertain significance. Last evaluated: 2024-06-21. Review status: criteria provided, single submitter. Criteria: Invitae Variant Classification Sherloc (09022015). Collection method: clinical testing. Allele origin: germline.
Comment: This sequence change replaces serine, which is neutral and polar, with tyrosine, which is neutral and polar, at codon 400 of the KANK1 protein (p.Ser400Tyr). This variant is not present in population databases (gnomAD no frequency). This variant has not been reported in the literature in individuals affected with KANK1-related conditions. Advanced modeling of protein sequence and biophysical properties (such as structural, functional, and spatial information, amino acid conservation, physicochemical variation, residue mobility, and thermodynamic stability) performed at Invitae indicates that this missense variant is expected to disrupt KANK1 protein function with a positive predictive value of 80%. In summary, the available evidence is currently insufficient to determine the role of this variant in disease. Therefore, it has been classified as a Variant of Uncertain Significance.